The following is an entry in ClinVar:

ClinVar aggregate classification (germline): Uncertain significance (1 of 4 stars; one submission).

Allele frequency attached by ClinVar (database versions not stated): TOPMed 0.00002; ExAC 0.00003; gnomAD 0.00003; gnomAD exomes 0.00006.
gnomAD v4.1: 90 of 1,613,806 alleles (0.0056%); highest among the groups gnomAD compares: Non-Finnish European, 0.0074%; no homozygotes.

Submission:

Labcorp Genetics (formerly Invitae), Labcorp
Classification: Uncertain significance. Last evaluated: 2022-05-09. Review status: criteria provided, single submitter. Criteria: Invitae Variant Classification Sherloc (09022015). Collection method: clinical testing. Allele origin: germline.
Comment: This sequence change replaces valine, which is neutral and non-polar, with alanine, which is neutral and non-polar, at codon 2278 of the PCLO protein (p.Val2278Ala). This variant is present in population databases (rs748953231, gnomAD 0.009%). This variant has not been reported in the literature in individuals affected with PCLO-related conditions. Algorithms developed to predict the effect of missense changes on protein structure and function output the following: SIFT: "Tolerated"; PolyPhen-2: "Not Available"; Align-GVGD: "Class C0". The alanine amino acid residue is found in multiple mammalian species, which suggests that this missense change does not adversely affect protein function. In summary, the available evidence is currently insufficient to determine the role of this variant in disease. Therefore, it has been classified as a Variant of Uncertain Significance.

NM_033026.6(PCLO):c.6833T>C (p.Val2278Ala)

Gene: PCLO (piccolo presynaptic cytomatrix protein; minus strand). Cytogenetic location: 7q21.11.
Variant type: single nucleotide variant.
Coding change: c.6833T>C on transcript NM_033026.6 (MANE Select); coding-DNA position 6833, T replaced by C.
Protein change: p.Val2278Ala; replaces valine 2278 with alanine.
Molecular consequence: missense variant.
Genome position (GRCh38, 1-based): chr7:82,954,120, A>G on the plus strand (T>C on the coding strand, the complement: PCLO is on the minus strand). VCF-style: chr7-82954120-A-G. GRCh37 (hg19) VCF-style: chr7-82583436-A-G.
Other names: c.6833T>C, p.Val2278Ala (NM_014510.3); short protein forms V2278A.
Identifiers: ClinVar variation 2419453 (VCV002419453.3), dbSNP rs748953231, ClinGen allele CA4320402.